The following is an entry in ClinVar:

NM_001282933.2(ZNF341):c.1577G>A (p.Ser526Asn)

Gene: ZNF341 (zinc finger protein 341; plus strand). Cytogenetic location: 20q11.22.
Variant type: single nucleotide variant.
Coding change: c.1577G>A on transcript NM_001282933.2 (MANE Select); coding-DNA position 1577, G replaced by A.
Protein change: p.Ser526Asn; replaces serine 526 with asparagine.
Molecular consequence: missense variant. On other transcripts: non-coding transcript variant (1).
Genome position (GRCh38, 1-based): chr20:33,770,247, G>A. VCF-style: chr20-33770247-G-A. GRCh37 (hg19) VCF-style: chr20-32358053-G-A.
Other names: c.1307G>A, p.Ser436Asn (NM_001282935.2); c.1556G>A, p.Ser519Asn (NM_032819.5); c.1556G>A (NM_032819.3); short protein forms S436N, S519N, S526N.
Identifiers: ClinVar variation 1402883 (VCV001402883.5), dbSNP rs769586018, ClinGen allele CA9819480.

ClinVar aggregate classification (germline): Uncertain significance. Review status: criteria provided, multiple submitters, no conflicts (2 of 4 stars). 2 submissions from 2 submitters: Uncertain significance (2). Last evaluated 2025-01-16.

Allele frequency attached by ClinVar (database versions not stated): ExAC 0.00002; gnomAD exomes 0.00003 and 0.00005; gnomAD 0.00005.
gnomAD v4.1: 70 of 1,422,120 alleles (0.0049%); highest among the groups gnomAD compares: Non-Finnish European, 0.0049%; no homozygotes.

Submissions (2):

Ambry Genetics
Classification: Uncertain significance. Last evaluated: 2025-01-16. Review status: criteria provided, single submitter. Criteria: Ambry Variant Classification Scheme 2023. Collection method: clinical testing. Allele origin: germline.

Labcorp Genetics (formerly Invitae), Labcorp
Classification: Uncertain significance. Last evaluated: 2024-01-08. Review status: criteria provided, single submitter. Criteria: Invitae Variant Classification Sherloc (09022015). Collection method: clinical testing. Allele origin: germline.
Comment: This sequence change replaces serine, which is neutral and polar, with asparagine, which is neutral and polar, at codon 519 of the ZNF341 protein (p.Ser519Asn). This variant is present in population databases (rs769586018, gnomAD 0.02%). This variant has not been reported in the literature in individuals affected with ZNF341-related conditions. ClinVar contains an entry for this variant (Variation ID: 1402883). An algorithm developed to predict the effect of missense changes on protein structure and function (PolyPhen-2) suggests that this variant¬†is likely to be tolerated. In summary, the available evidence is currently insufficient to determine the role of this variant in disease. Therefore, it has been classified as a Variant of Uncertain Significance.